The following is an entry in ClinVar:

ClinVar aggregate classification (germline): Uncertain significance (1 of 4 stars; one submission).

Conditions:
Malignant hyperthermia, susceptibility to, 5 (MHS5). Also called: CACNA1S-Related Malignant Hyperthermia Susceptibility. Identifiers: Orphanet 423, MedGen C1866077, MONDO:0011163, OMIM 601887.
Hypokalemic periodic paralysis, type 1. Also called: HypoPP; Hypokalemic Periodic Paralysis Type 1 (AD). Identifiers: Orphanet 681, MedGen C3714580, MONDO:0042979, OMIM 170400.

gnomAD v4.1: 1 of 1,613,362 alleles (0.000062%); highest among the groups gnomAD compares: Non-Finnish European, 0.000085%; no homozygotes.

Submission:

Labcorp Genetics (formerly Invitae), Labcorp
Classification: Uncertain significance for Hypokalemic periodic paralysis, type 1; Malignant hyperthermia, susceptibility to, 5. Last evaluated: 2025-11-27. Review status: criteria provided, single submitter. Criteria: Invitae Variant Classification Sherloc (09022015). Collection method: clinical testing. Allele origin: germline.
Comment: This sequence change replaces alanine, which is neutral and non-polar, with valine, which is neutral and non-polar, at codon 1567 of the CACNA1S protein (p.Ala1567Val). This variant is not present in population databases (gnomAD no frequency). This variant has not been reported in the literature in individuals affected with CACNA1S-related conditions. Invitae Evidence Modeling of protein sequence and biophysical properties (such as structural, functional, and spatial information, amino acid conservation, physicochemical variation, residue mobility, and thermodynamic stability) indicates that this missense variant is not expected to disrupt CACNA1S protein function with a negative predictive value of 95%. In summary, the available evidence is currently insufficient to determine the role of this variant in disease. Therefore, it has been classified as a Variant of Uncertain Significance.

NM_000069.3(CACNA1S):c.4700C>T (p.Ala1567Val)

Gene: CACNA1S (calcium voltage-gated channel subunit alpha1 S; minus strand). Cytogenetic location: 1q32.1.
Variant type: single nucleotide variant.
Coding change: c.4700C>T on transcript NM_000069.3 (MANE Select); coding-DNA position 4700, C replaced by T.
Protein change: p.Ala1567Val; replaces alanine 1567 with valine.
Molecular consequence: missense variant.
Genome position (GRCh38, 1-based): chr1:201,044,425, G>A on the plus strand (C>T on the coding strand, the complement: CACNA1S is on the minus strand). VCF-style: chr1-201044425-G-A. GRCh37 (hg19) VCF-style: chr1-201013553-G-A.
Other names: short protein forms A1567V.
Identifiers: ClinVar variation 4789150 (VCV004789150.1).